The following is an entry in ClinVar:

NM_002430.3(MN1):c.193A>G (p.Met65Val)

Gene: MN1 (MN1 proto-oncogene, transcriptional regulator; minus strand). Cytogenetic location: 22q12.1.
Variant type: single nucleotide variant.
Coding change: c.193A>G on transcript NM_002430.3 (MANE Select); coding-DNA position 193, A replaced by G.
Protein change: p.Met65Val; replaces methionine 65 with valine.
Molecular consequence: missense variant.
Genome position (GRCh38, 1-based): chr22:27,800,351, T>C on the plus strand (A>G on the coding strand, the complement: MN1 is on the minus strand). VCF-style: chr22-27800351-T-C. GRCh37 (hg19) VCF-style: chr22-28196339-T-C.
Other names: short protein forms M65V.
Identifiers: ClinVar variation 1331545 (VCV001331545.4), dbSNP rs199615090, ClinGen allele CA411051820.

ClinVar aggregate classification (germline): Uncertain significance (1 of 4 stars; one submission).

gnomAD v4.1: 3 of 1,605,282 alleles (0.00019%); highest among the groups gnomAD compares: Non-Finnish European, 0.00026%; no homozygotes.

Submission:

Greenwood Genetic Center Diagnostic Laboratories, Greenwood Genetic Center
Classification: Uncertain significance. Last evaluated: 2020-12-15. Review status: criteria provided, single submitter. Criteria: ACMG Guidelines, 2015. Collection method: clinical testing. Allele origin: germline. Affected: yes.
Comment: BP4, PM2